The following is an entry in ClinVar:

ClinVar aggregate classification (germline): Pathogenic. Review status: reviewed by expert panel (3 of 4 stars). 14 submissions from 14 submitters: Pathogenic (1). 13 of the submissions do not count toward it. Last evaluated 2026-07-20.

Conditions:
Autosomal recessive CEP290-related disorders.
CEP290-related ciliopathy. Also called: CEP290 ciliopathy. Identifiers: MedGen CN305601, MONDO:0100451.
CEP290-related disorder. Also called: CEP290-related disorders; CEP290-related condition. Identifiers: MedGen CN239314.
Joubert syndrome. Also called: JOUBERT-BOLTSHAUSER SYNDROME; Familial aplasia of the vermis. Identifiers: Orphanet 475, MedGen C5979921, MONDO:0018772.
Meckel-Gruber syndrome. Also called: DYSENCEPHALIA SPLANCHNOCYSTICA; GRUBER SYNDROME; Dysencephalia splachnocystica. Identifiers: Orphanet 564, MedGen C0265215, MONDO:0018921.
Nephronophthisis. Also called: Juvenile Nephronophthisis. Identifiers: Orphanet 655, MedGen C0687120, MONDO:0019005, HP:0000090.
Leber congenital amaurosis (LCA). Also called: Leber's amaurosis. Identifiers: Orphanet 65, MedGen C0339527, MeSH D057130, MONDO:0018998.
Bardet-Biedl syndrome 14 (BBS14). Identifiers: Orphanet 110, MedGen C2673874, MONDO:0014442, OMIM 615991.
Joubert syndrome 5 (JBTS5). Identifiers: Orphanet 2318, MedGen C1857780, MONDO:0012432, OMIM 610188.

Submissions (14):

ClinGen Leber Congenital Amaurosis/early Onset Retinal Dystrophy Variant Curation Expert Panel, ClinGen
Classification: Pathogenic for CEP290-related ciliopathy. Last evaluated: 2026-07-20. Review status: reviewed by expert panel. Criteria: ClinGen LCAeoRD ACMG Specifications CEP290 V1.0.0. Collection method: curation. Allele origin: germline. Inheritance: Autosomal recessive inheritance.
Comment: NM_025114.4(CEP290):c.4452_4455del (p.Lys1484AsnfsTer4) is a frameshift variant that introduces a premature stop codon into exon 35 of 54 and is predicted to lead to nonsense-mediated decay in a gene in which loss-of-function is an established mechanism of disease (PVS1). This variant is present in gnomAD v4.1.1 at a total allele frequency of 0.00001656, with 26 alleles / 1,569,994 total alleles, which is lower than the ClinGen LCA/eoRD VCEP PM2_Supporting threshold of <0.0006 (PM2_Supporting). At least one proband harboring this variant exhibits a phenotype including diagnosis of cone-rod dystrophy (0.5 pts) with onset at birth (0.5 pts), frequent rubbing of the eyes (0.5 pts), glare sensitivity (0.5 pts), poor visual acuity (0.5 pts), visual field constriction (0.5 pts), normal scotopic but absent photopic electroretinogram responses, and a color vision disorder, with genotyping by whole genome sequencing and inherited retinal disease gene panel that did not identify an alternative basis for retinal disease (4 pts), which together are specific for CEP290-related ciliopathy (total 7 points, PMID: 37642804, PP4). In summary, this variant meets the criteria to be classified as Pathogenic for CEP290-related ciliopathy based on the ACMG/AMP criteria applied, as specified by the ClinGen LCA/eoRD VCEP: PVS1, PM2_Supporting, and PP4. (LCA/eoRD VCEP Specifications for CEP290 Version 1.0.0)

Women's Health and Genetics/Laboratory Corporation of America, LabCorp
Classification: Pathogenic for CEP290-related disorder. Last evaluated: 2026-05-04. Review status: criteria provided, single submitter. Criteria: LabCorp Variant Classification Summary - May 2015. Collection method: clinical testing. Allele origin: germline. Not counted in ClinVar's aggregate classification.
Comment: Variant summary: CEP290 c.4452_4455delAGAA (p.Lys1484AsnfsX4) results in a premature termination codon, predicted to cause a truncation of the encoded protein or absence of the protein due to nonsense mediated decay, which are commonly known mechanisms for disease. The variant allele was found at a frequency of 1e-05 in 198352 control chromosomes. c.4452_4455delAGAA has been observed in individual(s) affected with CEP290-Related Disorders (e.g. Binder_2023). To our knowledge, no experimental evidence demonstrating an impact on protein function has been reported. The following publication have been ascertained in the context of this evaluation (PMID: 37642804). ClinVar contains an entry for this variant (Variation ID: 217628). Based on the evidence outlined above, the variant was classified as pathogenic.

GeneDx
Classification: Pathogenic. Last evaluated: 2026-02-13. Review status: criteria provided, single submitter. Criteria: GeneDx Variant Classification Process June 2021. Collection method: clinical testing. Allele origin: germline. Not counted in ClinVar's aggregate classification.
Comment: Frameshift variant predicted to result in protein truncation or nonsense mediated decay in a gene for which loss of function is a known mechanism of disease; Not observed at significant frequency in large population cohorts (gnomAD); This variant is associated with the following publications: (PMID: 26092869, 31964843, 21153841, 37734845)

Myriad Genetics, Inc.
Classification: Pathogenic for CEP290-related ciliopathy. Last evaluated: 2026-02-09. Review status: criteria provided, single submitter. Criteria: Myriad Autosomal Dominant, Autosomal Recessive and X-Linked Classification Criteria (2023). Collection method: clinical testing. Allele origin: unknown. Not counted in ClinVar's aggregate classification.
Comment: NM_025114.3(CEP290):c.4452_4455delAGAA(K1484Nfs*4) is a frameshift variant classified as pathogenic in the context of CEP290-related disorders. K1484Nfs*4 has been observed in cases with relevant disease (PMID: 21153841, 23188109). Relevant functional assessments of this variant are not available in the literature. K1484Nfs*4 has been observed in referenced population frequency databases. In summary, NM_025114.3(CEP290):c.4452_4455delAGAA(K1484Nfs*4) is a frameshift variant in a gene where loss of function is a known mechanism of disease, is predicted to disrupt protein function, and has been observed more frequently in cases with the relevant disease than in healthy populations. Please note: this variant was assessed in the context of healthy population screening.

Variantyx, Inc.
Classification: Pathogenic for Autosomal recessive CEP290-related disorders. Last evaluated: 2025-11-28. Review status: criteria provided, single submitter. Criteria: Variantyx Assertion Criteria 2022. Collection method: clinical testing. Allele origin: germline. Inheritance: Autosomal recessive inheritance. Affected: no. Not counted in ClinVar's aggregate classification.
Comment: This is a frameshift variant in the CEP290 gene (OMIM: 610142). Pathogenic variants in this gene have been associated with autosomal recessive CEP290-related disorders. This variant introduces a premature termination codon in exon 35 out of 54 and is expected to result in loss of function, which is a known disease mechanism for CEP290 in hese disorders (PVS1) (PMID: 16909394, 20690115, 17345604)). This variant has been identified in the homozygous or compound heterozygous state in at least 2 individuals reported in the published literature (PMID: 26092869, 37734845). It has a 0.0022% maximum allele frequency in non-founder control populations (PM2). Based on the current evidence, this variant is classified as pathogenic for autosomal recessive CEP290-related disorders.

Natera, Inc.
Classification: Pathogenic for Leber congenital amaurosis. Last evaluated: 2025-10-28. Review status: criteria provided, single submitter. Criteria: Natera Variant Classification Schema (03/2026). Collection method: clinical testing. Allele origin: germline. Not counted in ClinVar's aggregate classification.
Comment: The c.4452_4455delAGAA variant in CEP290 is a frameshift variant predicted to shift the reading frame beginning at codon 1484 and leads to a stop codon 4 codons downstream. This variant is expected to result in nonsense mediated decay, truncation, or a dysfunctional protein product. This variant is rare in the general population with a frequency below the threshold expected for the associated phenotype(s). This variant has been observed in one or more individuals affected with the associated recessive disease, as either homozygous or compound heterozygous with a second variant (PMID: 21153841). Given the available evidence, this variant is classified as Pathogenic.

Labcorp Genetics (formerly Invitae), Labcorp
Classification: Pathogenic for Joubert syndrome; Meckel-Gruber syndrome; Nephronophthisis. Last evaluated: 2025-05-03. Review status: criteria provided, single submitter. Criteria: Invitae Variant Classification Sherloc (09022015). Collection method: clinical testing. Allele origin: germline. Not counted in ClinVar's aggregate classification.
Comment: This sequence change creates a premature translational stop signal (p.Lys1484Asnfs*4) in the CEP290 gene. It is expected to result in an absent or disrupted protein product. Loss-of-function variants in CEP290 are known to be pathogenic (PMID: 16909394, 17345604, 20690115). This variant is present in population databases (rs780624853, gnomAD 0.002%). This premature translational stop signal has been observed in individual(s) with Leber congenital amaurosis, Joubert syndrome, and retinal dystrophy (PMID: 21153841, 23188109, 26092869). ClinVar contains an entry for this variant (Variation ID: 217628). For these reasons, this variant has been classified as Pathogenic.

Blueprint Genetics
Classification: Pathogenic for CEP290-related disorders. Last evaluated: 2024-11-25. Review status: criteria provided, single submitter. Criteria: ACMG Guidelines, 2015. Collection method: clinical testing. Allele origin: germline. Affected: yes. Observed: 3 variant alleles. Not counted in ClinVar's aggregate classification.

Mayo Clinic Laboratories, Mayo Clinic
Classification: Pathogenic. Last evaluated: 2024-07-03. Review status: criteria provided, single submitter. Criteria: ACMG Guidelines, 2015. Collection method: clinical testing. Allele origin: germline. Observed: 1 variant allele. Not counted in ClinVar's aggregate classification.
Comment: PM2, PM3, PVS1

Baylor Genetics
Classification: Pathogenic for Bardet-Biedl syndrome 14. Last evaluated: 2023-12-12. Review status: criteria provided, single submitter. Criteria: ACMG Guidelines, 2015. Collection method: clinical testing. Allele origin: unknown. Not counted in ClinVar's aggregate classification.

Revvity Omics, Revvity
Classification: Pathogenic. Last evaluated: 2023-05-26. Review status: criteria provided, single submitter. Criteria: ACMG Guidelines, 2015. Collection method: clinical testing. Allele origin: germline. Not counted in ClinVar's aggregate classification.

Centre for Mendelian Genomics, University Medical Centre Ljubljana
Classification: Pathogenic for Joubert syndrome 5. Last evaluated: 2019-02-12. Review status: criteria provided, single submitter. Criteria: ACMG Guidelines, 2015. Collection method: clinical testing. Allele origin: unknown. Affected: yes. Not counted in ClinVar's aggregate classification.
Comment: This variant was classified as: Pathogenic. The following ACMG criteria were applied in classifying this variant: PVS1,PM2,PP5.

UW Hindbrain Malformation Research Program, University of Washington
Classification: Pathogenic for Joubert syndrome 5. Last evaluated: 2015-02-23. Review status: criteria provided, single submitter. Criteria: Bachmann-Gagescu et al. (J Med Genet. 2015). Collection method: research. Allele origin: unknown. Affected: yes. Not counted in ClinVar's aggregate classification.

PreventionGenetics, part of Exact Sciences
Classification: Pathogenic for CEP290-related condition. Last evaluated: 2024-03-28. Review status: no assertion criteria provided. Collection method: clinical testing. Allele origin: germline. Not counted in ClinVar's aggregate classification.
Comment: The CEP290 c.4452_4455delAGAA variant is predicted to result in a frameshift and premature protein termination (p.Lys1484Asnfs*4). This variant was reported to be pathogenic for Leber congenital amaurosis, Joubert syndrome, and nephronophthisis associated ciliopathy (see examples: Wiszniewski et al 2011. PubMed ID: 21153841; Table S5, Bachmann-Gagescu et al 2015. PubMed ID: 26092869; Halbritter et al 2012. PubMed ID: 23188109). This variant is reported in 0.0022% of alleles in individuals of European (Non-Finnish) descent in gnomAD. Frameshift variants in CEP290 are expected to be pathogenic. This variant is interpreted as pathogenic.

Literature cited by the submitters: PubMed 37642804 (cited by Women's Health and Genetics/Laboratory Corporation of America, LabCorp); PubMed 21153841 (cited by 4 submitters); PubMed 23188109 (cited by 3 submitters); PubMed 26092869 (cited by 3 submitters); PubMed 37734845 (cited by Variantyx, Inc. and Mayo Clinic Laboratories, Mayo Clinic); PubMed 26909394 (cited by Variantyx, Inc.); PubMed 20690115 (cited by Variantyx, Inc. and Labcorp Genetics (formerly Invitae), Labcorp); PubMed 17345604 (cited by Variantyx, Inc. and Labcorp Genetics (formerly Invitae), Labcorp); PubMed 16909394 (cited by Labcorp Genetics (formerly Invitae), Labcorp); PubMed 31964843 (cited by Mayo Clinic Laboratories, Mayo Clinic).

NM_025114.4(CEP290):c.4452_4455del (p.Lys1484fs)

Gene: CEP290 (centrosomal protein 290; minus strand). Cytogenetic location: 12q21.32.
Variant type: Microsatellite.
Coding change: c.4452_4455del on transcript NM_025114.4 (MANE Select); coding-DNA positions 4452 to 4455, 4 bases deleted (AGAA; older notation c.4452_4455delAGAA).
Protein change: p.Lys1484fs; shifts the reading frame from lysine 1484.
Molecular consequence: frameshift variant.
Genome position (GRCh38, 1-based): chr12:88,084,835-88,084,838, TTCT deleted on the plus strand (AGAA on the coding strand, the reverse complement: CEP290 is on the minus strand); deleting any 4 consecutive bases within chr12:88,084,835-88,084,842 gives the same sequence; the c. name uses the placement nearest the transcript's 3' end. VCF-style (leftmost placement, unchanged base first): chr12-88084834-ATTCT-A. GRCh37 (hg19) VCF-style: chr12-88478611-ATTCT-A.
Other names: p.Lys1484Asnfs*4; NM_025114.4(CEP290):c.4452_4455del; p.Lys1484fs; c.4452_4455delAGAA (NM_025114.3, NM_025114.4); short protein forms K1484fs.
Identifiers: ClinVar variation 217628 (VCV000217628.27), dbSNP rs780624853, ClinGen allele CA277781.